The following is an entry in ClinVar:

ClinVar aggregate classification (germline): Uncertain significance (1 of 4 stars; one submission).

Conditions:
Fanconi anemia complementation group E (FANCE). Also called: FANCE-Related Fanconi Anemia. Identifiers: Orphanet 84, MedGen C3160739, MONDO:0010953, OMIM 600901.

Allele frequency attached by ClinVar (database versions not stated): gnomAD exomes below 0.00001.
gnomAD v4.1: 1 of 1,612,946 alleles (0.000062%); highest among the groups gnomAD compares: African/African-American, 0.0013%; no homozygotes.

Submission:

Labcorp Genetics (formerly Invitae), Labcorp
Classification: Uncertain significance for Fanconi anemia complementation group E. Last evaluated: 2022-06-11. Review status: criteria provided, single submitter. Criteria: Invitae Variant Classification Sherloc (09022015). Collection method: clinical testing. Allele origin: germline.
Comment: This sequence change replaces proline, which is neutral and non-polar, with serine, which is neutral and polar, at codon 181 of the FANCE protein (p.Pro181Ser). In summary, the available evidence is currently insufficient to determine the role of this variant in disease. Therefore, it has been classified as a Variant of Uncertain Significance. Algorithms developed to predict the effect of missense changes on protein structure and function output the following: SIFT: "Tolerated"; PolyPhen-2: "Benign"; Align-GVGD: "Class C0". The serine amino acid residue is found in multiple mammalian species, which suggests that this missense change does not adversely affect protein function. This variant has not been reported in the literature in individuals affected with FANCE-related conditions. This variant is not present in population databases (gnomAD no frequency).

NM_021922.3(FANCE):c.541C>T (p.Pro181Ser)

Gene: FANCE (FA complementation group E; plus strand). Cytogenetic location: 6p21.31.
Variant type: single nucleotide variant.
Coding change: c.541C>T on transcript NM_021922.3 (MANE Select); coding-DNA position 541, C replaced by T.
Protein change: p.Pro181Ser; replaces proline 181 with serine.
Molecular consequence: missense variant.
Genome position (GRCh38, 1-based): chr6:35,456,039, C>T. VCF-style: chr6-35456039-C-T. GRCh37 (hg19) VCF-style: chr6-35423816-C-T.
Other names: c.541C>T, p.Pro181Ser (NM_001410876.1); short protein forms P181S.
Identifiers: ClinVar variation 2004950 (VCV002004950.4), dbSNP rs2533659579, ClinGen allele CA363773117.
Genomic context (GRCh38, chr6:35,456,039, plus strand): 5'-CAGAGACAGCTCCAAAGTCTATGTAGGGGGCTGGGCCTGGGGGGCAGGAGGTTGAAATCC[C>T]CCCAGGCTCCAGACCCTGAAGAAGAGGAGAACAGGGACTCCCAGCAGCCTGGGAAACGCA-3'
Protein context (NP_068741.1, residues 171-191): LGLGGRRLKS[Pro181Ser]QAPDPEEEEN